The following is an entry in ClinVar:

NM_000136.3(FANCC):c.1198T>G (p.Phe400Val)

Genes: FANCC (FA complementation group C; minus strand), AOPEP (aminopeptidase O (putative); plus strand). Cytogenetic location: 9q22.32.
Variant type: single nucleotide variant.
Coding change: c.1198T>G on transcript NM_000136.3 (MANE Select); coding-DNA position 1198, T replaced by G.
Protein change: p.Phe400Val; replaces phenylalanine 400 with valine.
Molecular consequence: missense variant.
Genome position (GRCh38, 1-based): chr9:95,111,594, A>C on the plus strand (T>G on the coding strand, the complement: FANCC is on the minus strand). VCF-style: chr9-95111594-A-C. GRCh37 (hg19) VCF-style: chr9-97873876-A-C.
Other names: c.1198T>G (NM_000136.2); c.1198T>G, p.Phe400Val (NM_001243743.2, NM_001243744.2); short protein forms F400V.
Identifiers: ClinVar variation 1057757 (VCV001057757.11), dbSNP rs1480679034, ClinGen allele CA374107491.

ClinVar aggregate classification (germline): Uncertain significance. Review status: criteria provided, multiple submitters, no conflicts (2 of 4 stars). 3 submissions from 3 submitters: Uncertain significance (2). 1 of the submissions does not count toward it. Last evaluated 2024-05-22.

Conditions:
Hereditary cancer-predisposing syndrome. Also called: Hereditary Cancer Syndrome; Tumor predisposition; Hereditary neoplastic syndrome; Neoplastic Syndromes, Hereditary. Identifiers: Orphanet 140162, MedGen C0027672, MeSH D009386, MONDO:0015356.
Fanconi anemia (FA). Also called: Fanconi's anemia. Identifiers: Orphanet 84, MedGen C0015625, MeSH D005199, MONDO:0019391.

Allele frequency attached by ClinVar (database versions not stated): gnomAD exomes below 0.00001.
gnomAD v4.1: 1 of 1,614,178 alleles (0.000062%); no homozygotes.

Submissions (3):

Ambry Genetics
Classification: Uncertain significance for Hereditary cancer-predisposing syndrome. Last evaluated: 2024-05-22. Review status: criteria provided, single submitter. Criteria: Ambry Variant Classification Scheme 2023. Collection method: clinical testing. Allele origin: germline.
Comment: The p.F400V variant (also known as c.1198T>G), located in coding exon 12 of the FANCC gene, results from a T to G substitution at nucleotide position 1198. The phenylalanine at codon 400 is replaced by valine, an amino acid with highly similar properties. This amino acid position is conserved. In addition, this alteration is predicted to be deleterious by in silico analysis. Based on the available evidence, the clinical significance of this variant remains unclear.

Labcorp Genetics (formerly Invitae), Labcorp
Classification: Uncertain significance for Fanconi anemia. Last evaluated: 2021-08-28. Review status: criteria provided, single submitter. Criteria: Invitae Variant Classification Sherloc (09022015). Collection method: clinical testing. Allele origin: germline.
Comment: This sequence change replaces phenylalanine with valine at codon 400 of the FANCC protein (p.Phe400Val). The phenylalanine residue is highly conserved and there is a small physicochemical difference between phenylalanine and valine. This variant is not present in population databases (ExAC no frequency). This variant has not been reported in the literature in individuals affected with FANCC-related conditions. Algorithms developed to predict the effect of missense changes on protein structure and function are either unavailable or do not agree on the potential impact of this missense change (SIFT: "Tolerated"; PolyPhen-2: "Probably Damaging"; Align-GVGD: "Class C0"). In summary, the available evidence is currently insufficient to determine the role of this variant in disease. Therefore, it has been classified as a Variant of Uncertain Significance.

Natera, Inc.
Classification: Uncertain significance for Fanconi anemia. Last evaluated: 2021-02-07. Review status: no assertion criteria provided. Collection method: clinical testing. Allele origin: germline. Not counted in ClinVar's aggregate classification.